The following is an entry in ClinVar:

ClinVar aggregate classification (germline): Likely benign (1 of 4 stars; one submission).

gnomAD v4.1: 3 of 1,571,040 alleles (0.00019%); highest among the groups gnomAD compares: Non-Finnish European, 0.00026%; no homozygotes.

Submission:

CeGaT Center for Human Genetics Tuebingen
Classification: Likely benign. Last evaluated: 2025-10-01. Review status: criteria provided, single submitter. Criteria: CeGaT Center For Human Genetics Tuebingen Variant Classification Criteria Version 2. Collection method: clinical testing. Allele origin: germline. Affected: yes. Observed: 1 variant allele.
Comment: AGBL1: BP4, BP7

NM_001386094.1(AGBL1):c.1779T>C (p.Cys593=)

Gene: AGBL1 (AGBL carboxypeptidase 1; plus strand). Cytogenetic location: 15q25.3.
Variant type: single nucleotide variant.
Coding change: c.1779T>C on transcript NM_001386094.1 (MANE Select); coding-DNA position 1779, T replaced by C.
Protein change: p.Cys593=; no amino-acid change (cysteine 593 retained).
Molecular consequence: synonymous variant.
Genome position (GRCh38, 1-based): chr15:86,267,017, T>C. VCF-style: chr15-86267017-T-C. GRCh37 (hg19) VCF-style: chr15-86810248-T-C.
Other names: c.1779T>C, p.Cys593= (NM_152336.4).
Identifiers: ClinVar variation 4534574 (VCV004534574.6).
Genomic context (GRCh38, chr15:86,267,017, plus strand): 5'-ACATATGTTCACATGTTCCTTATTTCATTGTAGGCCTTTGCAAGACAATGCTTCCAATTG[T>C]TTACGGTTCTTCTCCAAATTTGAGTCAGGAAATCTTCGCAAAGCCATCCAAGTGCGTGAG-3'
Protein context (NP_001373023.1, residues 583-603): PWPLQDNASN[Cys593=]LRFFSKFESG